The following is an entry in ClinVar:

NM_000701.8(ATP1A1):c.461G>A (p.Ser154Asn)

Gene: ATP1A1 (ATPase Na+/K+ transporting subunit alpha 1; plus strand). Cytogenetic location: 1p13.1.
Variant type: single nucleotide variant.
Coding change: c.461G>A on transcript NM_000701.8 (MANE Select); coding-DNA position 461, G replaced by A.
Protein change: p.Ser154Asn; replaces serine 154 with asparagine.
Molecular consequence: missense variant.
Genome position (GRCh38, 1-based): chr1:116,388,204, G>A. VCF-style: chr1-116388204-G-A. GRCh37 (hg19) VCF-style: chr1-116930826-G-A.
Other names: c.461G>A, p.Ser154Asn (NM_001160233.2); c.368G>A, p.Ser123Asn (NM_001160234.2); short protein forms S154N, S123N.
Identifiers: ClinVar variation 4746704 (VCV004746704.1).

ClinVar aggregate classification (germline): Uncertain significance (1 of 4 stars; one submission).

Submission:

Labcorp Genetics (formerly Invitae), Labcorp
Classification: Uncertain significance. Last evaluated: 2025-04-13. Review status: criteria provided, single submitter. Criteria: Invitae Variant Classification Sherloc (09022015). Collection method: clinical testing. Allele origin: germline.
Comment: This sequence change replaces serine, which is neutral and polar, with asparagine, which is neutral and polar, at codon 154 of the ATP1A1 protein (p.Ser154Asn). This variant is not present in population databases (gnomAD no frequency). This variant has not been reported in the literature in individuals affected with ATP1A1-related conditions. Invitae Evidence Modeling of protein sequence and biophysical properties (such as structural, functional, and spatial information, amino acid conservation, physicochemical variation, residue mobility, and thermodynamic stability) indicates that this missense variant is expected to disrupt ATP1A1 protein function with a positive predictive value of 80%. In summary, the available evidence is currently insufficient to determine the role of this variant in disease. Therefore, it has been classified as a Variant of Uncertain Significance.